The following is an entry in ClinVar:

ClinVar aggregate classification (germline): Uncertain significance (1 of 4 stars; one submission).

Conditions:
PLXNA1-related disorder. Also called: PLXNA1-related condition.

gnomAD v4.1: 39 of 1,613,188 alleles (0.0024%); highest among the groups gnomAD compares: Non-Finnish European, 0.0031%; no homozygotes.

Submission:

PreventionGenetics, part of Exact Sciences
Classification: Uncertain significance for PLXNA1-related condition. Last evaluated: 2026-08-21. Review status: criteria provided, single submitter. Criteria: ACMG Guidelines, 2015. Collection method: clinical testing. Allele origin: germline.
Comment: The PLXNA1 c.300C>G variant is predicted to result in the amino acid substitution p.Ser100Arg. To our knowledge, this variant has not been reported in the literature. This variant is reported in 0.0018% of alleles in individuals of European (Non-Finnish) descent in gnomAD. At this time, the clinical significance of this variant is uncertain due to the absence of conclusive functional and genetic evidence.

NM_032242.4(PLXNA1):c.300C>G (p.Ser100Arg)

Gene: PLXNA1 (plexin A1; plus strand). Cytogenetic location: 3q21.3.
Variant type: single nucleotide variant.
Coding change: c.300C>G on transcript NM_032242.4 (MANE Select); coding-DNA position 300, C replaced by G.
Protein change: p.Ser100Arg; replaces serine 100 with arginine.
Molecular consequence: missense variant.
Genome position (GRCh38, 1-based): chr3:126,988,893, C>G. VCF-style: chr3-126988893-C-G. GRCh37 (hg19) VCF-style: chr3-126707736-C-G.
Other names: short protein forms S100R.
Identifiers: ClinVar variation 4982475 (VCV004982475.1).